The following is an entry in ClinVar:

NM_017534.6(MYH2):c.2264T>C (p.Ile755Thr)

Genes: MYH2 (myosin heavy chain 2; minus strand), MYHAS (myosin heavy chain gene cluster antisense RNA; plus strand). Cytogenetic location: 17p13.1.
Variant type: single nucleotide variant.
Coding change: c.2264T>C on transcript NM_017534.6 (MANE Select); coding-DNA position 2264, T replaced by C.
Protein change: p.Ile755Thr; replaces isoleucine 755 with threonine.
Molecular consequence: missense variant.
Genome position (GRCh38, 1-based): chr17:10,533,549, A>G on the plus strand (T>C on the coding strand, the complement: MYH2 is on the minus strand). VCF-style: chr17-10533549-A-G. GRCh37 (hg19) VCF-style: chr17-10436866-A-G.
Other names: c.2264T>C, p.Ile755Thr (NM_001100112.2); short protein forms I755T.
Identifiers: ClinVar variation 989264 (VCV000989264.8), dbSNP rs1167250510, ClinGen allele CA398148985.

ClinVar aggregate classification (germline): Uncertain significance. Review status: criteria provided, multiple submitters, no conflicts (2 of 4 stars). 3 submissions from 3 submitters: Uncertain significance (3). Last evaluated 2023-12-04.

Conditions:
Myopathy, proximal, and ophthalmoplegia (CMYO6). Also called: CONGENITAL MYOPATHY 6 WITH OPHTHALMOPLEGIA; INCLUSION BODY MYOPATHY 3, AUTOSOMAL DOMINANT; MYOPATHY WITH CONGENITAL JOINT CONTRACTURES, OPHTHALMOPLEGIA, AND RIMMED VACUOLES. Identifiers: Orphanet 363677, Orphanet 79091, MedGen C1854106, MONDO:0011577, OMIM 605637.

Allele frequency attached by ClinVar (database versions not stated): gnomAD exomes below 0.00001; TOPMed 0.00001.
gnomAD v4.1: 1 of 1,614,210 alleles (0.000062%); highest among the groups gnomAD compares: Non-Finnish European, 0.000085%; no homozygotes.

Submissions (3):

Labcorp Genetics (formerly Invitae), Labcorp
Classification: Uncertain significance for Myopathy, proximal, and ophthalmoplegia. Last evaluated: 2023-12-04. Review status: criteria provided, single submitter. Criteria: Invitae Variant Classification Sherloc (09022015). Collection method: clinical testing. Allele origin: germline.
Comment: This sequence change replaces isoleucine, which is neutral and non-polar, with threonine, which is neutral and polar, at codon 755 of the MYH2 protein (p.Ile755Thr). This variant is not present in population databases (gnomAD no frequency). This variant has not been reported in the literature in individuals affected with MYH2-related conditions. ClinVar contains an entry for this variant (Variation ID: 989264). Advanced modeling of protein sequence and biophysical properties (such as structural, functional, and spatial information, amino acid conservation, physicochemical variation, residue mobility, and thermodynamic stability) performed at Invitae indicates that this missense variant is not expected to disrupt MYH2 protein function with a negative predictive value of 80%. In summary, the available evidence is currently insufficient to determine the role of this variant in disease. Therefore, it has been classified as a Variant of Uncertain Significance.

GeneDx
Classification: Uncertain significance. Last evaluated: 2019-04-09. Review status: criteria provided, single submitter. Criteria: GeneDx Variant Classification Process June 2021. Collection method: clinical testing. Allele origin: germline. Affected: yes.
Comment: Not observed in large population cohorts (Lek et al., 2016); In silico analysis, which includes protein predictors and evolutionary conservation, supports a deleterious effect; Has not been previously published as pathogenic or benign to our knowledge

Illumina Laboratory Services, Illumina
Classification: Uncertain significance for Myopathy, proximal, and ophthalmoplegia. Last evaluated: 2019-03-15. Review status: criteria provided, single submitter. Criteria: ICSLVariantClassificationCriteria RUGD 01 April 2020. Collection method: clinical testing. Allele origin: unknown.
Comment: The MYH2 c.2264T>C (p.Ile755Thr) variant is a missense variant. A literature search was performed for the gene, cDNA change, and amino acid change. No publications were found based on this search. This variant is not found in the Genome Aggregation Database in a region of good sequence coverage so the variant is presumed to be rare. Based on the limited evidence, the p.Ile755Thr variant is classified as a variant of uncertain significance for proximal myopathy and ophthalmoplegia.